The following is an entry in ClinVar:

NM_001042492.3(NF1):c.7453dup (p.Tyr2485fs)

Gene: NF1 (neurofibromin 1; plus strand). Cytogenetic location: 17q11.2.
Variant type: Duplication.
Coding change: c.7453dup on transcript NM_001042492.3 (MANE Select); coding-DNA position 7453, one base duplicated (T; older notation c.7453dupT).
Protein change: p.Tyr2485fs; shifts the reading frame from tyrosine 2485.
Molecular consequence: frameshift variant.
Genome position (GRCh38, 1-based): chr17:31,350,314, T duplicated. VCF-style (leftmost placement, unchanged base first): chr17-31350313-C-CT. GRCh37 (hg19) VCF-style: chr17-29677331-C-CT.
Other names: c.7390dup, p.Tyr2464Leufs (NM_000267.4); c.7390dupT (NM_000267.3); short protein forms Y2464fs, Y2485fs.
Identifiers: ClinVar variation 860235 (VCV000860235.42), dbSNP rs2070108811, ClinGen allele CA916080671.

ClinVar aggregate classification (germline): Pathogenic. Review status: criteria provided, multiple submitters, no conflicts (2 of 4 stars). 4 submissions from 4 submitters: Pathogenic (4). Last evaluated 2025-06-24.

Conditions:
Cardiovascular phenotype. Identifiers: MedGen CN230736.
Hereditary cancer-predisposing syndrome. Also called: Hereditary Cancer Syndrome; Neoplastic Syndromes, Hereditary; Tumor predisposition; Hereditary neoplastic syndrome. Identifiers: Orphanet 140162, MedGen C0027672, MeSH D009386, MONDO:0015356.
Neurofibromatosis, type 1 (NF1). Also called: NEUROFIBROMATOSIS, TYPE I, SOMATIC; VON RECKLINGHAUSEN DISEASE; Peripheral type neurofibromatosis; Neurofibromatosis, type I. Identifiers: Orphanet 636, MedGen C0027831, MONDO:0018975, OMIM 162200. Disease mechanism: loss of function.

Submissions (4):

Ambry Genetics
Classification: Pathogenic for Cardiovascular phenotype; Hereditary cancer-predisposing syndrome. Last evaluated: 2025-06-24. Review status: criteria provided, single submitter. Criteria: Ambry Variant Classification Scheme 2023. Collection method: clinical testing. Allele origin: germline.
Comment: The c.7390dupT pathogenic mutation, located in coding exon 49 of the NF1 gene, results from a duplication of T at nucleotide position 7390, causing a translational frameshift with a predicted alternate stop codon (p.Y2464Lfs*2). This variant is considered to be rare based on population cohorts in the Genome Aggregation Database (gnomAD). This alteration is expected to result in loss of function by premature protein truncation or nonsense-mediated mRNA decay. As such, this alteration is interpreted as a disease-causing mutation.

Genome-Nilou Lab
Classification: Pathogenic for Neurofibromatosis, type 1. Last evaluated: 2022-03-15. Review status: criteria provided, single submitter. Criteria: ACMG Guidelines, 2015. Collection method: clinical testing. Allele origin: germline. Affected: no.

CeGaT Center for Human Genetics Tuebingen
Classification: Pathogenic. Last evaluated: 2021-12-01. Review status: criteria provided, single submitter. Criteria: CeGaT Center For Human Genetics Tuebingen Variant Classification Criteria Version 2. Collection method: clinical testing. Allele origin: germline. Affected: yes. Observed: 2 variant alleles.

Labcorp Genetics (formerly Invitae), Labcorp
Classification: Pathogenic for Neurofibromatosis, type 1. Last evaluated: 2019-01-06. Review status: criteria provided, single submitter. Criteria: Invitae Variant Classification Sherloc (09022015). Collection method: clinical testing. Allele origin: germline.
Comment: For these reasons, this variant has been classified as Pathogenic. Loss-of-function variants in NF1 are known to be pathogenic (PMID: 10712197, 23913538). This variant has been reported in individuals in the Leiden Open-source Variation Database (PMID: 21520333). This variant is not present in population databases (ExAC no frequency). This sequence change creates a premature translational stop signal (p.Tyr2464Leufs*2) in the NF1 gene. It is expected to result in an absent or disrupted protein product.

Literature cited by the submitters: PubMed 10712197 (cited by Labcorp Genetics (formerly Invitae), Labcorp); PubMed 23913538 (cited by Labcorp Genetics (formerly Invitae), Labcorp); PubMed 21520333 (cited by Labcorp Genetics (formerly Invitae), Labcorp).